The following is an entry in ClinVar:

ClinVar aggregate classification (germline): Likely benign (0 of 4 stars; one submission).

Conditions:
IVD-related disorder. Also called: IVD-related condition.

Submission:

PreventionGenetics, part of Exact Sciences
Classification: Likely benign for IVD-related condition. Last evaluated: 2024-09-06. Review status: no assertion criteria provided. Collection method: clinical testing. Allele origin: germline.
Comment: This variant is classified as likely benign based on ACMG/AMP sequence variant interpretation guidelines (Richards et al. 2015 PMID: 25741868, with internal and published modifications).

NM_001354601.3(IVD):c.1166C>G (p.Pro389Arg)

Gene: IVD (isovaleryl-CoA dehydrogenase; plus strand). Cytogenetic location: 15q15.1.
Variant type: single nucleotide variant.
Coding change: c.1166C>G on transcript NM_001354601.3; coding-DNA position 1166, C replaced by G.
Protein change: p.Pro389Arg; replaces proline 389 with arginine.
Molecular consequence: missense variant. On other transcripts: synonymous variant (2), non-coding transcript variant (1).
Genome position (GRCh38, 1-based): chr15:40,435,444, C>G. VCF-style: chr15-40435444-C-G. GRCh37 (hg19) VCF-style: chr15-40727643-C-G.
Other names: c.1248C>G, p.Thr416= (NM_001354598.3); c.1335C>G, p.Thr445= (NM_001354600.3); short protein forms P389R.
Identifiers: ClinVar variation 3350446 (VCV003350446.1).
Genomic context (GRCh38, chr15:40,435,444, plus strand): 5'-GACAGCGCTAAAAGAGGGCTCTCTTTCCCCTAGGGCAGACCTTTTCCGCCCAACACCCAC[C>G]TGGGAGGGAGGGCGAGACCCGAGGTCAGACGTCCCTGGAGCAGGTGAGCACTGCGAGGGA-3'